The following is an entry in ClinVar:

NM_004369.4(COL6A3):c.5712C>T (p.Asp1904=)

Gene: COL6A3 (collagen type VI alpha 3 chain; minus strand). Cytogenetic location: 2q37.3.
Variant type: single nucleotide variant.
Coding change: c.5712C>T on transcript NM_004369.4 (MANE Select); coding-DNA position 5712, C replaced by T.
Protein change: p.Asp1904=; no amino-acid change (aspartic acid 1904 retained).
Molecular consequence: synonymous variant.
Genome position (GRCh38, 1-based): chr2:237,365,824, G>A on the plus strand (C>T on the coding strand, the complement: COL6A3 is on the minus strand). VCF-style: chr2-237365824-G-A. GRCh37 (hg19) VCF-style: chr2-238274467-G-A.
Other names: c.3891C>T, p.Asp1297= (NM_057166.5); c.5094C>T, p.Asp1698= (NM_057167.4).
Identifiers: ClinVar variation 194055 (VCV000194055.24), dbSNP rs151234107, ClinGen allele CA239848.

ClinVar aggregate classification (germline): Benign/Likely benign. Review status: criteria provided, multiple submitters, no conflicts (2 of 4 stars). 5 submissions from 5 submitters: Benign (1); Likely benign (4). Last evaluated 2026-04-01.

Conditions:
Bethlem myopathy 1A. Also called: Bethlem myopathy 1; MYOPATHY, BENIGN CONGENITAL, WITH CONTRACTURES; Bethlem Muscular Dystrophy. Identifiers: Orphanet 610, MedGen CN029274, MONDO:0024530, OMIM 158810.

Allele frequency attached by ClinVar (database versions not stated): ESP Exome Variant Server 0.00031; gnomAD 0.00033 and 0.00037; TOPMed 0.00043; ExAC 0.00055; gnomAD exomes 0.00061; 1000 Genomes Project 0.00140; 1000 Genomes Project 30x 0.00141.
gnomAD v4.1: 371 of 1,614,156 alleles (0.023%); highest among the groups gnomAD compares: East Asian, 0.48%; no homozygotes.

Submissions (5):

CeGaT Center for Human Genetics Tuebingen
Classification: Likely benign. Last evaluated: 2026-04-01. Review status: criteria provided, single submitter. Criteria: CeGaT Center For Human Genetics Tuebingen Variant Classification Criteria Version 2. Collection method: clinical testing. Allele origin: germline. Affected: yes. Observed: 2 variant alleles.
Comment: COL6A3: BP4, BP7

Labcorp Genetics (formerly Invitae), Labcorp
Classification: Benign for Bethlem myopathy 1A. Last evaluated: 2025-12-20. Review status: criteria provided, single submitter. Criteria: Invitae Variant Classification Sherloc (09022015). Collection method: clinical testing. Allele origin: germline.

Blueprint Genetics
Classification: Likely benign. Last evaluated: 2024-01-18. Review status: criteria provided, single submitter. Criteria: ACMG Guidelines, 2015. Collection method: clinical testing. Allele origin: germline.

GeneDx
Classification: Likely benign. Last evaluated: 2019-11-19. Review status: criteria provided, single submitter. Criteria: GeneDx Variant Classification Process June 2021. Collection method: clinical testing. Allele origin: germline. Affected: yes.

Eurofins Ntd Llc (ga)
Classification: Likely benign. Last evaluated: 2017-04-12. Review status: criteria provided, single submitter. Criteria: EGL Classification Definitions 2015. Collection method: clinical testing. Allele origin: germline. Observed: 2 variant alleles, 2 heterozygotes.